The following is an entry in ClinVar:

ClinVar aggregate classification (germline): Uncertain significance (1 of 4 stars; one submission).

Submission:

GeneDx
Classification: Uncertain significance. Last evaluated: 2026-02-14. Review status: criteria provided, single submitter. Criteria: GeneDx Variant Classification Process June 2021. Collection method: clinical testing. Allele origin: germline.
Comment: Not observed at significant frequency in large population cohorts (gnomAD); Has not been previously published as pathogenic or benign to our knowledge; Nonsense variant predicted to result in protein truncation or nonsense mediated decay in a gene or region of a gene for which loss of function is not an established mechanism of disease

NM_001438.4(ESRRG):c.469C>T (p.Gln157Ter)

Gene: ESRRG (estrogen related receptor gamma; minus strand). Cytogenetic location: 1q41.
Variant type: single nucleotide variant.
Coding change: c.469C>T on transcript NM_001438.4 (MANE Select); coding-DNA position 469, C replaced by T.
Protein change: p.Gln157Ter; replaces glutamine 157 with a stop codon.
Molecular consequence: nonsense. On other transcripts: intron variant (2).
Genome position (GRCh38, 1-based): chr1:216,677,079, G>A on the plus strand (C>T on the coding strand, the complement: ESRRG is on the minus strand). VCF-style: chr1-216677079-G-A. GRCh37 (hg19) VCF-style: chr1-216850421-G-A.
Other names: c.400C>T, p.Gln134Ter (NM_001134285.3, NM_001243507.2, NM_001243509.2 and 13 more transcripts); c.484C>T, p.Gln162Ter (NM_001243518.2); c.-164-108981C>T (NM_001243505.2); c.-83-25990C>T (NM_001243506.2); short protein forms Q134*, Q157*, Q162*.
Identifiers: ClinVar variation 4976194 (VCV004976194.1).
Genomic context (GRCh38, chr1:216,677,079, plus strand): 5'-AAAAACCCATCATGTGAGGTTGGAAGTGGGGAGAGTATTCCCAGGTCCGACACTAACCTT[G>A]AATTGTCCTCTTGAAGAATGCCTTGCAGGCTTCACATGATGCTACCCCATAGTGGTACCC-3'